The following is an entry in ClinVar:

NM_174934.4(SCN4B):c.199C>T (p.Arg67Trp)

Gene: SCN4B (sodium voltage-gated channel beta subunit 4; minus strand). Cytogenetic location: 11q23.3.
Variant type: single nucleotide variant.
Coding change: c.199C>T on transcript NM_174934.4 (MANE Select); coding-DNA position 199, C replaced by T.
Protein change: p.Arg67Trp; replaces arginine 67 with tryptophan.
Molecular consequence: missense variant. On other transcripts: 5 prime UTR variant (1), non-coding transcript variant (1), intron variant (1).
Genome position (GRCh38, 1-based): chr11:118,145,092, G>A on the plus strand (C>T on the coding strand, the complement: SCN4B is on the minus strand). VCF-style: chr11-118145092-G-A. GRCh37 (hg19) VCF-style: chr11-118015807-G-A.
Other names: p.R67W:CGG>TGG; c.-132C>T (NM_001142349.2); c.62-3756C>T (NM_001142348.2); short protein forms R67W.
Identifiers: ClinVar variation 190892 (VCV000190892.6), dbSNP rs775614261, ClinGen allele CA302216.

ClinVar aggregate classification (germline): Likely benign. Review status: criteria provided, multiple submitters, no conflicts (2 of 4 stars). 2 submissions from 2 submitters: Likely benign (2). Last evaluated 2025-04-19.

Conditions:
Cardiovascular phenotype. Identifiers: MedGen CN230736.

Allele frequency attached by ClinVar (database versions not stated): gnomAD exomes 0.00001 and 0.00003; TOPMed 0.00002; ExAC 0.00004.
gnomAD v4.1: 5 of 1,614,116 alleles (0.00031%); highest among the groups gnomAD compares: East Asian, 0.011%; no homozygotes.

Submissions (2):

Ambry Genetics
Classification: Likely benign for Cardiovascular phenotype. Last evaluated: 2025-04-19. Review status: criteria provided, single submitter. Criteria: Ambry Variant Classification Scheme 2023. Collection method: clinical testing. Allele origin: germline.

GeneDx
Classification: Likely benign. Last evaluated: 2014-10-16. Review status: criteria provided, single submitter. Criteria: GeneDx Variant Classification (06012015). Collection method: clinical testing. Allele origin: germline. Affected: yes.
Comment: This variant is considered likely benign or benign based on one or more of the following criteria: it is a conservative change, it occurs at a poorly conserved position in the protein, it is predicted to be benign by multiple in silico algorithms, and/or has population frequency not consistent with disease.